The following is an entry in ClinVar:

ClinVar aggregate classification (germline): Likely benign. Review status: criteria provided, multiple submitters, no conflicts (2 of 4 stars). 2 submissions from 2 submitters: Likely benign (2). Last evaluated 2024-02-22.

Conditions:
Cardiovascular phenotype. Identifiers: MedGen CN230736.
Catecholaminergic polymorphic ventricular tachycardia (CVPT). Also called: Catecholamine-induced polymorphic ventricular tachycardia. Identifiers: Orphanet 3286, MedGen C5574922, MONDO:0017990.

Allele frequency attached by ClinVar (database versions not stated): gnomAD exomes below 0.00001.
gnomAD v4.1: 2 of 1,614,036 alleles (0.00012%); highest among the groups gnomAD compares: African/African-American, 0.0027%; no homozygotes.

Submissions (2):

All of Us Research Program, National Institutes of Health
Classification: Likely benign for Catecholaminergic polymorphic ventricular tachycardia. Last evaluated: 2024-02-22. Review status: criteria provided, single submitter. Criteria: ACMG Guidelines, 2015. Collection method: clinical testing. Allele origin: germline. Inheritance: Autosomal dominant inheritance. Observed: 1 variant allele, 1 heterozygote.
Comment: This study involves interpretation of variants in research participants for the purpose of population health screening. Participant phenotype was not available at the time of variant classification. Additional details can be found in publication PMID: 35346344, PMCID: PMC8962531

Ambry Genetics
Classification: Likely benign for Cardiovascular phenotype. Last evaluated: 2020-05-04. Review status: criteria provided, single submitter. Criteria: Ambry Variant Classification Scheme 2023. Collection method: clinical testing. Allele origin: germline.

NM_001035.3(RYR2):c.4965T>C (p.Tyr1655=)

Gene: RYR2 (ryanodine receptor 2; plus strand). Cytogenetic location: 1q43.
Variant type: single nucleotide variant.
Coding change: c.4965T>C on transcript NM_001035.3 (MANE Select); coding-DNA position 4965, T replaced by C.
Protein change: p.Tyr1655=; no amino-acid change (tyrosine 1655 retained).
Molecular consequence: synonymous variant.
Genome position (GRCh38, 1-based): chr1:237,614,093, T>C. VCF-style: chr1-237614093-T-C. GRCh37 (hg19) VCF-style: chr1-237777393-T-C.
Identifiers: ClinVar variation 1744436 (VCV001744436.3), dbSNP rs2546790126, ClinGen allele CA424030983.